The following is an entry in ClinVar:

ClinVar aggregate classification (germline): Conflicting classifications of pathogenicity. Review status: criteria provided, conflicting classifications (1 of 4 stars). 4 submissions from 4 submitters: Uncertain significance (3); Likely benign (1). Last evaluated 2025-04-13.

Conditions:
Hereditary cancer-predisposing syndrome. Also called: Neoplastic Syndromes, Hereditary; Tumor predisposition; Hereditary Cancer Syndrome; Hereditary neoplastic syndrome. Identifiers: Orphanet 140162, MedGen C0027672, MeSH D009386, MONDO:0015356.
Hereditary breast ovarian cancer syndrome. Also called: Breast and ovarian cancer; Hereditary breast and ovarian cancer; Hereditary breast and/or ovarian cancer syndrome; BRCA1- and BRCA2-Associated Hereditary Breast and Ovarian Cancer; Hereditary breast and ovarian cancer syndrome; Hereditary breast and ovarian cancer syndrome (HBOC). Identifiers: Orphanet 145, MedGen C0677776, MeSH D061325, MONDO:0003582. Disease mechanism: loss of function.

Allele frequency attached by ClinVar (database versions not stated): gnomAD exomes below 0.00001.
gnomAD v4.1: 1 of 1,606,142 alleles (0.000062%); highest among the groups gnomAD compares: Non-Finnish European, 0.000085%; no homozygotes.

Submissions (4):

Labcorp Genetics (formerly Invitae), Labcorp
Classification: Uncertain significance for Hereditary breast ovarian cancer syndrome. Last evaluated: 2025-04-13. Review status: criteria provided, single submitter. Criteria: Invitae Variant Classification Sherloc (09022015). Collection method: clinical testing. Allele origin: germline.
Comment: This sequence change replaces serine, which is neutral and polar, with arginine, which is basic and polar, at codon 1259 of the BRCA2 protein (p.Ser1259Arg). This variant is not present in population databases (gnomAD no frequency). This variant has not been reported in the literature in individuals affected with BRCA2-related conditions. ClinVar contains an entry for this variant (Variation ID: 141868). Invitae Evidence Modeling of protein sequence and biophysical properties (such as structural, functional, and spatial information, amino acid conservation, physicochemical variation, residue mobility, and thermodynamic stability) indicates that this missense variant is not expected to disrupt BRCA2 protein function with a negative predictive value of 95%. In summary, the available evidence is currently insufficient to determine the role of this variant in disease. Therefore, it has been classified as a Variant of Uncertain Significance.

Ambry Genetics
Classification: Uncertain significance for Hereditary cancer-predisposing syndrome. Last evaluated: 2024-09-02. Review status: criteria provided, single submitter. Criteria: Ambry Variant Classification Scheme 2023. Collection method: clinical testing. Allele origin: germline.
Comment: The p.S1259R variant (also known as c.3775A>C), located in coding exon 10 of the BRCA2 gene, results from an A to C substitution at nucleotide position 3775. The serine at codon 1259 is replaced by arginine, an amino acid with dissimilar properties. This amino acid position is poorly conserved in available vertebrate species. In addition, this alteration is predicted to be tolerated by in silico analysis. Since supporting evidence is limited at this time, the clinical significance of this alteration remains unclear.

University of Washington Department of Laboratory Medicine, University of Washington
Classification: Likely benign for Hereditary cancer-predisposing syndrome. Last evaluated: 2023-03-23. Review status: criteria provided, single submitter. Criteria: Dines et al. (Genet Med. 2020). Collection method: curation. Allele origin: germline.
Comment: Missense variant in a coldspot region where missense variants are very unlikely to be pathogenic (PMID:31911673).

BRCA2 exon 11 coldspot. Reclassification based on statistical prior probability.

GeneDx
Classification: Uncertain significance. Last evaluated: 2015-11-11. Review status: criteria provided, single submitter. Criteria: GeneDx Variant Classification (06012015). Collection method: clinical testing. Allele origin: germline. Affected: yes.
Comment: This variant is denoted BRCA2 c.3775A>C at the cDNA level, p.Ser1259Arg (S1259R) at the protein level, and results in the change of a Serine to an Arginine (AGT>CGT). Using alternate nomenclature, this variant would be defined as BRCA2 4003A>C. This variant has not, to our knowledge, been published in the literature as pathogenic or benign. BRCA2 Ser1259Arg was not observed in approximately 6,500 individuals of European and African American ancestry in the NHLBI Exome Sequencing Project, suggesting it is not a common benign variant in these populations. Since Serine and Arginine differ in some properties, this is considered a semi-conservative amino acid substitution. BRCA2 Ser1259Arg occurs at a position that is not conserved and is located in the BRC repeats (Roy 2012). In silico analyses predict that this variant is unlikely to alter protein structure or function. Based on currently available evidence, it is unclear whether BRCA2 Ser1259Arg is a pathogenic or benign variant. We consider it to be a variant of uncertain significance.

NM_000059.4(BRCA2):c.3775A>C (p.Ser1259Arg)

Gene: BRCA2 (BRCA2 DNA repair associated; plus strand). Cytogenetic location: 13q13.1.
Variant type: single nucleotide variant.
Coding change: c.3775A>C on transcript NM_000059.4 (MANE Select); coding-DNA position 3775, A replaced by C.
Protein change: p.Ser1259Arg; replaces serine 1259 with arginine.
Molecular consequence: missense variant.
Genome position (GRCh38, 1-based): chr13:32,338,130, A>C. VCF-style: chr13-32338130-A-C. GRCh37 (hg19) VCF-style: chr13-32912267-A-C.
Other names: short protein forms S1259R.
Identifiers: ClinVar variation 141868 (VCV000141868.10), dbSNP rs587782071, ClinGen allele CA018788.